The following is an entry in ClinVar:

ClinVar aggregate classification (germline): Uncertain significance (1 of 4 stars; one submission).

gnomAD v4.1: 1 of 1,573,794 alleles (0.000064%); highest among the groups gnomAD compares: Admixed American, 0.0021%; no homozygotes.

Submission:

Labcorp Genetics (formerly Invitae), Labcorp
Classification: Uncertain significance. Last evaluated: 2024-11-27. Review status: criteria provided, single submitter. Criteria: Invitae Variant Classification Sherloc (09022015). Collection method: clinical testing. Allele origin: germline.
Comment: This sequence change replaces lysine, which is basic and polar, with glutamine, which is neutral and polar, at codon 4140 of the ANK3 protein (p.Lys4140Gln). This variant is not present in population databases (gnomAD no frequency). This variant has not been reported in the literature in individuals affected with ANK3-related conditions. An algorithm developed to predict the effect of missense changes on protein structure and function (PolyPhen-2) suggests that this variant is likely to be disruptive. In summary, the available evidence is currently insufficient to determine the role of this variant in disease. Therefore, it has been classified as a Variant of Uncertain Significance.

NM_020987.5(ANK3):c.12418A>C (p.Lys4140Gln)

Gene: ANK3 (ankyrin 3; minus strand). Cytogenetic location: 10q21.2.
Variant type: single nucleotide variant.
Coding change: c.12418A>C on transcript NM_020987.5 (MANE Select); coding-DNA position 12418, A replaced by C.
Protein change: p.Lys4140Gln; replaces lysine 4140 with glutamine.
Molecular consequence: missense variant.
Genome position (GRCh38, 1-based): chr10:60,064,190, T>G on the plus strand (A>C on the coding strand, the complement: ANK3 is on the minus strand). VCF-style: chr10-60064190-T-G. GRCh37 (hg19) VCF-style: chr10-61823948-T-G.
Other names: c.1981A>C, p.Lys661Gln (NM_001149.4); c.4561A>C, p.Lys1521Gln (NM_001204403.2); c.4582A>C, p.Lys1528Gln (NM_001204404.2); c.4579A>C, p.Lys1527Gln (NM_001320874.2); short protein forms K1521Q, K1528Q, K1527Q, K4140Q, K661Q.
Identifiers: ClinVar variation 3697160 (VCV003697160.2).
Genomic context (GRCh38, chr10:60,064,190, plus strand): 5'-AGTTAAAATAATATAATTTCGGCATACTTGTGGCATTTTTTCCGTCTCTGGTAACCCATT[T>G]TTTTAATAACATGAAGCTCTGAGAAATTAAAGAATTTGGATTTTCCACACGTATTTGATT-3'
Protein context (NP_066267.2, residues 4130-4150): LISQSFMLLK[Lys4140Gln]WVTRDGKNAT